The following is an entry in ClinVar:

ClinVar aggregate classification (germline): Uncertain significance (1 of 4 stars; one submission).

Submission:

GeneDx
Classification: Uncertain significance. Last evaluated: 2026-03-11. Review status: criteria provided, single submitter. Criteria: GeneDx Variant Classification Process June 2021. Collection method: clinical testing. Allele origin: germline.
Comment: Not observed at significant frequency in large population cohorts (gnomAD); In silico analysis supports that this missense variant has a deleterious effect on protein structure/function; Has not been previously published as pathogenic or benign to our knowledge

NM_001039591.3(USP9X):c.5994C>A (p.Phe1998Leu)

Gene: USP9X (ubiquitin specific peptidase 9 X-linked; plus strand). Cytogenetic location: Xp11.4.
Variant type: single nucleotide variant.
Coding change: c.5994C>A on transcript NM_001039591.3 (MANE Select); coding-DNA position 5994, C replaced by A.
Protein change: p.Phe1998Leu; replaces phenylalanine 1998 with leucine.
Molecular consequence: missense variant.
Genome position (GRCh38, 1-based): chrX:41,216,561, C>A. VCF-style: chrX-41216561-C-A. GRCh37 (hg19) VCF-style: chrX-41075814-C-A.
Other names: c.5994C>A, p.Phe1998Leu (NM_001039590.3); c.6009C>A, p.Phe2003Leu (NM_001410748.1, NM_001410749.1, NM_001437534.1); short protein forms F1998L, F2003L.
Identifiers: ClinVar variation 5009045 (VCV005009045.1).